The following is an entry in ClinVar:

NM_052874.5(STX1B):c.354+2T>C

Gene: STX1B (syntaxin 1B; minus strand). Cytogenetic location: 16p11.2.
Variant type: single nucleotide variant.
Coding change: c.354+2T>C on transcript NM_052874.5 (MANE Select); the canonical splice donor site of the intron after coding-DNA position 354, T replaced by C.
Molecular consequence: splice donor variant.
Genome position (GRCh38, 1-based): chr16:30,997,500, A>G on the plus strand (T>C on the coding strand, the complement: STX1B is on the minus strand). VCF-style: chr16-30997500-A-G. GRCh37 (hg19) VCF-style: chr16-31008821-A-G.
Identifiers: ClinVar variation 1469504 (VCV001469504.8), dbSNP rs2143670818, ClinGen allele CA395649470.

ClinVar aggregate classification (germline): Likely pathogenic (1 of 4 stars; one submission).

Conditions:
Generalized epilepsy with febrile seizures plus, type 9 (GEFSP9). Also called: GEFS+, TYPE 9. Identifiers: Orphanet 36387, MedGen C4015395, MONDO:0014517, OMIM 616172.

Submission:

Labcorp Genetics (formerly Invitae), Labcorp
Classification: Likely pathogenic for Generalized epilepsy with febrile seizures plus, type 9. Last evaluated: 2022-09-10. Review status: criteria provided, single submitter. Criteria: Invitae Variant Classification Sherloc (09022015). Collection method: clinical testing. Allele origin: germline.
Comment: This sequence change affects a donor splice site in intron 5 of the STX1B gene. It is expected to disrupt RNA splicing. Variants that disrupt the donor or acceptor splice site typically lead to a loss of protein function (PMID: 16199547), and loss-of-function variants in STX1B are known to be pathogenic (PMID: 25362483). In summary, the currently available evidence indicates that the variant is pathogenic, but additional data are needed to prove that conclusively. Therefore, this variant has been classified as Likely Pathogenic. Algorithms developed to predict the effect of sequence changes on RNA splicing suggest that this variant may disrupt the consensus splice site. ClinVar contains an entry for this variant (Variation ID: 1469504). This variant has not been reported in the literature in individuals affected with STX1B-related conditions. This variant is not present in population databases (gnomAD no frequency).

Literature cited by the submitters: PubMed 16199547; PubMed 25362483.